The following is an entry in ClinVar:

ClinVar aggregate classification (germline): Likely pathogenic (3 of 4 stars; one submission).

Conditions:
Monogenic diabetes. Identifiers: Orphanet 183625, MedGen C3888631, MONDO:0015967.

Submission:

ClinGen Monogenic Diabetes Variant Curation Expert Panel
Classification: Likely pathogenic for Monogenic diabetes. Last evaluated: 2024-12-02. Review status: reviewed by expert panel. Criteria: ClinGen Diabetes ACMG Specifications HNF4A V2.0.0. Collection method: curation. Allele origin: germline. Inheritance: Autosomal dominant inheritance.
Comment: The c.1061del variant in the hepatocyte nuclear factor 4-alpha, HNF4A, causes a frameshift in the protein at codon 354 (NM_175914.5), adding 18 novel amino acids before encountering a stop codon (p.(Gly354Glufs*18)). This variant, located in biologically-relevant exon 8 of 10, is predicted to lead to nonsense mediated decay in a gene in which loss-of-function is an established disease mechanism (PVS1; PMID: 23348805). This variant is absent from gnomAD v2.1.1 (PM2_Supporting). This variant was identified in 1 individual with non-autoimmune and non-absolute/near-absolute insulin-deficient diabetes; however, PS4_Moderate cannot be applied because this number is below the ClinGen MDEP threshold (PMID: 23348805). This variant segregated with diabetes with one informative meiosis in a single family; however, this does not meet the thresholds for PP1 set by the ClinGen MDEP (PMIDs: 27236918, 23348805). This variant was identified in an individual with diabetes; however, the calculated MODY probability is <50% (PMID: 23348805). In summary, c.1061del meets the criteria to be classified as likely pathogenic for monogenic diabetes. ACMG/AMP criteria applied, as specified by the ClinGen MDEP (specification version 2.0.0, approved 10/11/2024): PVS1, PM2_Supporting.

NM_175914.5(HNF4A):c.1061del (p.Gly354fs)

Gene: HNF4A (hepatocyte nuclear factor 4 alpha; plus strand). Cytogenetic location: 20q13.12.
Variant type: Deletion.
Coding change: c.1061del on transcript NM_175914.5 (MANE Select); coding-DNA position 1061, one base deleted (G; older notation c.1061delG).
Protein change: p.Gly354fs; shifts the reading frame from glycine 354.
Molecular consequence: frameshift variant.
Genome position (GRCh38, 1-based): chr20:44,424,252, G deleted; the last of 3 consecutive G bases (chr20:44,424,250-44,424,252); deleting any one gives the same sequence. VCF-style (leftmost placement, unchanged base first): chr20-44424249-TG-T. GRCh37 (hg19) VCF-style: chr20-43052889-TG-T.
Other names: NM_175914.5:c.1061del; c.1127del, p.Gly376fs (NM_000457.6, NM_178849.3, NM_178850.3); c.1061del, p.Gly354fs (NM_001030003.3, NM_001030004.3); c.1106del, p.Gly369fs (NM_001258355.2); c.1052del, p.Gly351fs (NM_001287182.2, NM_001287183.2, NM_001287184.2); short protein forms G351fs, G354fs, G369fs, G376fs.
Identifiers: ClinVar variation 3383938 (VCV003383938.1).